The following is an entry in ClinVar:

NM_000038.6(APC):c.6552A>C (p.Glu2184Asp)

Gene: APC (APC regulator of Wnt signaling pathway; plus strand). Cytogenetic location: 5q22.2.
Variant type: single nucleotide variant.
Coding change: c.6552A>C on transcript NM_000038.6 (MANE Select); coding-DNA position 6552, A replaced by C.
Protein change: p.Glu2184Asp; replaces glutamic acid 2184 with aspartic acid.
Molecular consequence: missense variant.
Genome position (GRCh38, 1-based): chr5:112,842,146, A>C. VCF-style: chr5-112842146-A-C. GRCh37 (hg19) VCF-style: chr5-112177843-A-C.
Other names: c.6477A>C, p.Glu2159Asp (NM_001354898.2); c.6429A>C, p.Glu2143Asp (NM_001354900.2); c.6582A>C, p.Glu2194Asp (NM_001354897.2); c.6468A>C, p.Glu2156Asp (NM_001354899.2); c.6606A>C, p.Glu2202Asp (NM_001354896.2); c.6552A>C, p.Glu2184Asp (NM_001127510.3, NM_001354895.2); c.6498A>C, p.Glu2166Asp (NM_001127511.3); c.6375A>C, p.Glu2125Asp (NM_001354901.2); and 5 more; short protein forms E2024D, E2083D, E2125D, E2159D, E2166D, E1901D, E2184D, E2058D.
Identifiers: ClinVar variation 826481 (VCV000826481.9), dbSNP rs1580671887, ClinGen allele CA16035666.

ClinVar aggregate classification (germline): Uncertain significance. Review status: criteria provided, multiple submitters, no conflicts (2 of 4 stars). 3 submissions from 3 submitters: Uncertain significance (3). Last evaluated 2025-03-04.

Conditions:
Familial adenomatous polyposis 1 (FAP1). Also called: POLYPOSIS, ADENOMATOUS INTESTINAL; FAMILIAL ADENOMATOUS POLYPOSIS 1, ATTENUATED. Identifiers: MedGen C2713442, MONDO:0021056, OMIM 175100. Disease mechanism: loss of function.
Hereditary cancer-predisposing syndrome. Also called: Neoplastic Syndromes, Hereditary; Tumor predisposition; Hereditary neoplastic syndrome; Hereditary Cancer Syndrome. Identifiers: Orphanet 140162, MedGen C0027672, MeSH D009386, MONDO:0015356.

Submissions (3):

Center for Genomic Medicine, Rigshospitalet, Copenhagen University Hospital
Classification: Uncertain significance. Last evaluated: 2025-03-04. Review status: criteria provided, single submitter. Criteria: ACMG Guidelines, 2015. Collection method: clinical testing. Allele origin: germline.

Labcorp Genetics (formerly Invitae), Labcorp
Classification: Uncertain significance for Familial adenomatous polyposis 1. Last evaluated: 2023-09-22. Review status: criteria provided, single submitter. Criteria: Invitae Variant Classification Sherloc (09022015). Collection method: clinical testing. Allele origin: germline.
Comment: This sequence change replaces glutamic acid, which is acidic and polar, with aspartic acid, which is acidic and polar, at codon 2184 of the APC protein (p.Glu2184Asp). This variant is not present in population databases (gnomAD no frequency). This variant has not been reported in the literature in individuals affected with APC-related conditions. ClinVar contains an entry for this variant (Variation ID: 826481). Advanced modeling of protein sequence and biophysical properties (such as structural, functional, and spatial information, amino acid conservation, physicochemical variation, residue mobility, and thermodynamic stability) performed at Invitae indicates that this missense variant is not expected to disrupt APC protein function. In summary, the available evidence is currently insufficient to determine the role of this variant in disease. Therefore, it has been classified as a Variant of Uncertain Significance.

Ambry Genetics
Classification: Uncertain significance for Hereditary cancer-predisposing syndrome. Last evaluated: 2019-06-27. Review status: criteria provided, single submitter. Criteria: Ambry Variant Classification Scheme 2023. Collection method: clinical testing. Allele origin: germline.
Comment: The p.E2184D variant (also known as c.6552A>C), located in coding exon 15 of the APC gene, results from an A to C substitution at nucleotide position 6552. The glutamic acid at codon 2184 is replaced by aspartic acid, an amino acid with highly similar properties. This amino acid position is well conserved in available vertebrate species. In addition, in silico predictors for this gene do not accurately predict pathogenicity. Since supporting evidence is limited at this time, the clinical significance of this alteration remains unclear.